The following is an entry in ClinVar:

ClinVar aggregate classification (germline): Uncertain significance. Review status: criteria provided, multiple submitters, no conflicts (2 of 4 stars). 2 submissions from 2 submitters: Uncertain significance (2). Last evaluated 2022-03-16.

Conditions:
Intellectual disability. Also called: intellectual disabilities; Intellectual functioning disability; Intellectual developmental disorder. Identifiers: MedGen C3714756, MeSH D008607, MONDO:0001071, HP:0001249.

Allele frequency attached by ClinVar (database versions not stated): gnomAD exomes 0.00002; TOPMed below 0.00001.
gnomAD v4.1: 18 of 1,211,337 alleles (0.0015%); highest among the groups gnomAD compares: Non-Finnish European, 0.002%; no homozygotes.

Submissions (2):

GeneDx
Classification: Uncertain significance. Last evaluated: 2022-03-16. Review status: criteria provided, single submitter. Criteria: GeneDx Variant Classification Process June 2021. Collection method: clinical testing. Allele origin: germline. Affected: yes.
Comment: Not observed at significant frequency in large population cohorts (gnomAD); In silico analysis supports that this missense variant does not alter protein structure/function; Has not been previously published as pathogenic or benign to our knowledge

Cambridge Genomics Laboratory, East Genomic Laboratory Hub, NHS Genomic Medicine Service
Classification: Uncertain significance for Intellectual disability. Last evaluated: 2020-03-04. Review status: criteria provided, single submitter. Criteria: ACGS Best Practice Guidelines for Variant Classification in Rare Disease 2020. Collection method: clinical testing. Allele origin: germline. Affected: yes. Observed: 1 variant allele.

NM_001039591.3(USP9X):c.3848A>G (p.Gln1283Arg)

Gene: USP9X (ubiquitin specific peptidase 9 X-linked; plus strand). Cytogenetic location: Xp11.4.
Variant type: single nucleotide variant.
Coding change: c.3848A>G on transcript NM_001039591.3 (MANE Select); coding-DNA position 3848, A replaced by G.
Protein change: p.Gln1283Arg; replaces glutamine 1283 with arginine.
Molecular consequence: missense variant.
Genome position (GRCh38, 1-based): chrX:41,189,346, A>G. VCF-style: chrX-41189346-A-G. GRCh37 (hg19) VCF-style: chrX-41048599-A-G.
Other names: c.3848A>G, p.Gln1283Arg (NM_001039590.3); c.3863A>G, p.Gln1288Arg (NM_001410748.1, NM_001410749.1); short protein forms Q1283R, Q1288R.
Identifiers: ClinVar variation 1706182 (VCV001706182.3), dbSNP rs2062910690, ClinGen allele CA412768858.
Genomic context (GRCh38, chrX:41,189,346, plus strand): 5'-TGTTCTTGATTGTAATTTTACAGACCAATGCAGGCAATGAGCCAGACTTGGAAGACGAAC[A>G]GGTTTGCTGTGAAGCATTGGAAGTGATGACCTTATGTTTTGCCTTGATTCCAACAGCCTT-3'
Protein context (NP_001034680.2, residues 1273-1293): AGNEPDLEDE[Gln1283Arg]VCCEALEVMT